The following is an entry in ClinVar:

ClinVar aggregate classification (germline): Uncertain significance (1 of 4 stars; one submission).

Conditions:
Proteasome-associated autoinflammatory syndrome 1 (PRAAS1). Also called: AUTOINFLAMMATION, LIPODYSTROPHY, AND DERMATOSIS SYNDROME; NAKAJO-NISHIMURA SYNDROME; CHRONIC ATYPICAL NEUTROPHILIC DERMATOSIS WITH LIPODYSTROPHY AND ELEVATED TEMPERATURE SYNDROME; Nakajo syndrome; JOINT CONTRACTURES, MUSCULAR ATROPHY, MICROCYTIC ANEMIA, AND PANNICULITIS-INDUCED LIPODYSTROPHY; JMP SYNDROME. Identifiers: Orphanet 2615, Orphanet 324977, Orphanet 324999, Orphanet 325004, MedGen C4746851, MONDO:0054698, OMIM 256040.

Submission:

Labcorp Genetics (formerly Invitae), Labcorp
Classification: Uncertain significance for Nakajo syndrome. Last evaluated: 2018-03-15. Review status: criteria provided, single submitter. Criteria: Invitae Variant Classification Sherloc (09022015). Collection method: clinical testing. Allele origin: germline.
Comment: This sequence change replaces serine with cysteine at codon 56 of the PSMB8 protein (p.Ser56Cys). The serine residue is moderately conserved and there is a moderate physicochemical difference between serine and cysteine. This variant is not present in population databases (ExAC no frequency). This variant has not been reported in the literature in individuals with PSMB8-related disease. Algorithms developed to predict the effect of missense changes on protein structure and function do not agree on the potential impact of this missense change (SIFT: "Deleterious"; PolyPhen-2: "Benign"; Align-GVGD: "Class C15"). In summary, the available evidence is currently insufficient to determine the role of this variant in disease. Therefore, it has been classified as a Variant of Uncertain Significance.

NM_148919.4(PSMB8):c.167_168delinsGT (p.Ser56Cys)

Gene: PSMB8 (proteasome 20S subunit beta 8; minus strand). Cytogenetic location: 6p21.32.
Variant type: Indel.
Coding change: c.167_168delinsGT on transcript NM_148919.4 (MANE Select); coding-DNA positions 167 to 168, CC replaced by GT.
Protein change: p.Ser56Cys; replaces serine 56 with cysteine.
Molecular consequence: missense variant.
Genome position (GRCh38, 1-based): chr6:32,843,069-32,843,070, GG replaced by AC on the plus strand (CC replaced by GT on the coding strand, the reverse complement: PSMB8 is on the minus strand). VCF-style: chr6-32843069-GG-AC. GRCh37 (hg19) VCF-style: chr6-32810846-GG-AC.
Other names: c.167_168delinsGT, p.Ser56Cys (LRG_1328t1); c.155_156delinsGT, p.Ser52Cys (LRG_1328t2, NM_004159.5); short protein forms S52C, S56C.
Identifiers: ClinVar variation 568159 (VCV000568159.1), dbSNP rs1562352512, ClinGen allele CA891842687.